The following is an entry in ClinVar:

NM_016169.4(SUFU):c.1438G>C (p.Asp480His)

Gene: SUFU (SUFU negative regulator of hedgehog signaling; plus strand). Cytogenetic location: 10q24.32.
Variant type: single nucleotide variant.
Coding change: c.1438G>C on transcript NM_016169.4 (MANE Select); coding-DNA position 1438, G replaced by C.
Protein change: p.Asp480His; replaces aspartic acid 480 with histidine.
Molecular consequence: missense variant.
Genome position (GRCh38, 1-based): chr10:102,630,138, G>C. VCF-style: chr10-102630138-G-C. GRCh37 (hg19) VCF-style: chr10-104389895-G-C.
Other names: short protein forms D480H.
Identifiers: ClinVar variation 1772653 (VCV001772653.4), dbSNP rs1318484622, ClinGen allele CA377921082.

ClinVar aggregate classification (germline): Uncertain significance. Review status: criteria provided, multiple submitters, no conflicts (2 of 4 stars). 2 submissions from 2 submitters: Uncertain significance (2). Last evaluated 2024-02-06.

Conditions:
Gorlin syndrome. Also called: Nevoid Basal Cell Carcinoma Syndrome; Basal cell nevus syndrome. Identifiers: Orphanet 377, MedGen C0004779, MONDO:0007187.
Medulloblastoma (MDB). Also called: MEDULLOBLASTOMA PREDISPOSITION SYNDROME; Medulloblastoma, somatic. Identifiers: Orphanet 616, MedGen C0025149, MeSH D008527, MONDO:0007959, OMIM 155255, HP:0002885.
Hereditary cancer-predisposing syndrome. Also called: Tumor predisposition; Neoplastic Syndromes, Hereditary; Hereditary Cancer Syndrome; Hereditary neoplastic syndrome. Identifiers: Orphanet 140162, MedGen C0027672, MeSH D009386, MONDO:0015356.

Submissions (2):

Labcorp Genetics (formerly Invitae), Labcorp
Classification: Uncertain significance for Gorlin syndrome; Medulloblastoma. Last evaluated: 2024-02-06. Review status: criteria provided, single submitter. Criteria: Invitae Variant Classification Sherloc (09022015). Collection method: clinical testing. Allele origin: germline.
Comment: This sequence change replaces aspartic acid, which is acidic and polar, with histidine, which is basic and polar, at codon 480 of the SUFU protein (p.Asp480His). This variant is not present in population databases (gnomAD no frequency). This variant has not been reported in the literature in individuals affected with SUFU-related conditions. ClinVar contains an entry for this variant (Variation ID: 1772653). An algorithm developed to predict the effect of missense changes on protein structure and function (PolyPhen-2) suggests that this variant is likely to be disruptive. In summary, the available evidence is currently insufficient to determine the role of this variant in disease. Therefore, it has been classified as a Variant of Uncertain Significance.

Ambry Genetics
Classification: Uncertain significance for Hereditary cancer-predisposing syndrome. Last evaluated: 2020-09-11. Review status: criteria provided, single submitter. Criteria: Ambry Variant Classification Scheme 2023. Collection method: clinical testing. Allele origin: germline.
Comment: The p.D480H variant (also known as c.1438G>C), located in coding exon 12 of the SUFU gene, results from a G to C substitution at nucleotide position 1438. The aspartic acid at codon 480 is replaced by histidine, an amino acid with similar properties. This amino acid position is highly conserved in available vertebrate species. In addition, this alteration is predicted to be deleterious by in silico analysis. Since supporting evidence is limited at this time, the clinical significance of this alteration remains unclear.